The following is an entry in ClinVar:

NM_001113378.2(FANCI):c.2236G>A (p.Val746Met)

Gene: FANCI (FA complementation group I; plus strand). Cytogenetic location: 15q26.1.
Variant type: single nucleotide variant.
Coding change: c.2236G>A on transcript NM_001113378.2 (MANE Select); coding-DNA position 2236, G replaced by A.
Protein change: p.Val746Met; replaces valine 746 with methionine.
Molecular consequence: missense variant.
Genome position (GRCh38, 1-based): chr15:89,293,008, G>A. VCF-style: chr15-89293008-G-A. GRCh37 (hg19) VCF-style: chr15-89836239-G-A.
Other names: c.1957G>A, p.Val653Met (NM_001376910.1); c.2236G>A, p.Val746Met (NM_001376911.1, NM_018193.3); short protein forms V653M, V746M.
Identifiers: ClinVar variation 2156400 (VCV002156400.4), dbSNP rs2054124194, ClinGen allele CA393749403.

ClinVar aggregate classification (germline): Uncertain significance (1 of 4 stars; one submission).

Conditions:
Fanconi anemia (FA). Also called: Fanconi's anemia. Identifiers: Orphanet 84, MedGen C0015625, MeSH D005199, MONDO:0019391.

Submission:

Labcorp Genetics (formerly Invitae), Labcorp
Classification: Uncertain significance for Fanconi anemia. Last evaluated: 2022-05-03. Review status: criteria provided, single submitter. Criteria: Invitae Variant Classification Sherloc (09022015). Collection method: clinical testing. Allele origin: germline.
Comment: In summary, the available evidence is currently insufficient to determine the role of this variant in disease. Therefore, it has been classified as a Variant of Uncertain Significance. Algorithms developed to predict the effect of missense changes on protein structure and function are either unavailable or do not agree on the potential impact of this missense change (SIFT: "Deleterious"; PolyPhen-2: "Benign"; Align-GVGD: "Class C0"). This variant has not been reported in the literature in individuals affected with FANCI-related conditions. This variant is not present in population databases (gnomAD no frequency). This sequence change replaces valine, which is neutral and non-polar, with methionine, which is neutral and non-polar, at codon 746 of the FANCI protein (p.Val746Met).